The following is an entry in ClinVar:

ClinVar aggregate classification (germline): Uncertain significance. Review status: criteria provided, multiple submitters, no conflicts (2 of 4 stars). 2 submissions from 2 submitters: Uncertain significance (2). Last evaluated 2024-10-23.

Conditions:
Inborn genetic diseases. Identifiers: MedGen C0950123, MeSH D030342.
Diffuse cerebral and cerebellar atrophy - intractable seizures - progressive microcephaly syndrome. Also called: Microcephaly, progressive, with seizures and cerebral and cerebellar atrophy. Identifiers: Orphanet 404437, MedGen C4014239, MONDO:0014335, OMIM 615760.

Allele frequency attached by ClinVar (database versions not stated): gnomAD exomes 0.00001 and 0.00002; ExAC 0.00002; gnomAD 0.00011 and 0.00012; TOPMed 0.00014; ESP Exome Variant Server 0.00015.
gnomAD v4.1: 30 of 1,614,088 alleles (0.0019%); highest among the groups gnomAD compares: African/African-American, 0.032%; no homozygotes.

Submissions (2):

Labcorp Genetics (formerly Invitae), Labcorp
Classification: Uncertain significance for Diffuse cerebral and cerebellar atrophy - intractable seizures - progressive microcephaly syndrome. Last evaluated: 2024-10-23. Review status: criteria provided, single submitter. Criteria: Invitae Variant Classification Sherloc (09022015). Collection method: clinical testing. Allele origin: germline.
Comment: This sequence change replaces alanine, which is neutral and non-polar, with threonine, which is neutral and polar, at codon 204 of the QARS protein (p.Ala204Thr). This variant is present in population databases (rs148374607, gnomAD 0.02%). This variant has not been reported in the literature in individuals affected with QARS-related conditions. ClinVar contains an entry for this variant (Variation ID: 568125). An algorithm developed to predict the effect of missense changes on protein structure and function outputs the following: PolyPhen-2: "Benign". The threonine amino acid residue is found in multiple mammalian species, which suggests that this missense change does not adversely affect protein function. In summary, the available evidence is currently insufficient to determine the role of this variant in disease. Therefore, it has been classified as a Variant of Uncertain Significance.

Ambry Genetics
Classification: Uncertain significance for Inborn genetic diseases. Last evaluated: 2021-09-17. Review status: criteria provided, single submitter. Criteria: Ambry Variant Classification Scheme 2023. Collection method: clinical testing. Allele origin: germline.

NM_005051.3(QARS1):c.610G>A (p.Ala204Thr)

Gene: QARS1 (glutaminyl-tRNA synthetase 1; minus strand). Cytogenetic location: 3p21.31.
Variant type: single nucleotide variant.
Coding change: c.610G>A on transcript NM_005051.3 (MANE Select); coding-DNA position 610, G replaced by A.
Protein change: p.Ala204Thr; replaces alanine 204 with threonine.
Molecular consequence: missense variant. On other transcripts: non-coding transcript variant (1).
Genome position (GRCh38, 1-based): chr3:49,102,226, C>T on the plus strand (G>A on the coding strand, the complement: QARS1 is on the minus strand). VCF-style: chr3-49102226-C-T. GRCh37 (hg19) VCF-style: chr3-49139659-C-T.
Other names: c.577G>A, p.Ala193Thr (NM_001272073.2); c.610G>A (NM_005051.1); short protein forms A204T, A193T.
Identifiers: ClinVar variation 568125 (VCV000568125.7), dbSNP rs148374607, ClinGen allele CA2392088.
Genomic context (GRCh38, chr3:49,102,226, plus strand): 5'-GGGAGCTGAATGCTGTGACAGGAGTCTCAAGCTTCTCACCATTCTCCACCACATCCTTTG[C>T]CGTCCTCCGGTCTGTTTCTTCTAGCCGAGCTTTTGCCACCTGAAAGAAGCCCCAGGTGCT-3'
Protein context (NP_005042.1, residues 194-214): ARLEETDRRT[Ala204Thr]KDVVENGETA